The following is an entry in ClinVar:

ClinVar aggregate classification (germline): Uncertain significance. Review status: criteria provided, multiple submitters, no conflicts (2 of 4 stars). 7 submissions from 7 submitters: Uncertain significance (7). Last evaluated 2025-12-24.

Conditions:
Hereditary cancer-predisposing syndrome. Also called: Hereditary Cancer Syndrome; Hereditary neoplastic syndrome; Tumor predisposition; Neoplastic Syndromes, Hereditary. Identifiers: Orphanet 140162, MedGen C0027672, MeSH D009386, MONDO:0015356.
Classic or attenuated familial adenomatous polyposis. Identifiers: MedGen CN372698, MONDO:0021057.
Familial adenomatous polyposis 1 (FAP1). Also called: FAMILIAL ADENOMATOUS POLYPOSIS 1, ATTENUATED; POLYPOSIS, ADENOMATOUS INTESTINAL. Identifiers: MedGen C2713442, MONDO:0021056, OMIM 175100. Disease mechanism: loss of function.

Allele frequency attached by ClinVar (database versions not stated): gnomAD exomes below 0.00001; ExAC 0.00001; gnomAD 0.00001; TOPMed 0.00001.
gnomAD v4.1: 3 of 1,613,938 alleles (0.00019%); highest among the groups gnomAD compares: Non-Finnish European, 0.00025%; no homozygotes.

Submissions (7):

Labcorp Genetics (formerly Invitae), Labcorp
Classification: Uncertain significance for Familial adenomatous polyposis 1. Last evaluated: 2025-12-24. Review status: criteria provided, single submitter. Criteria: Invitae Variant Classification Sherloc (09022015). Collection method: clinical testing. Allele origin: germline.
Comment: This sequence change replaces proline, which is neutral and non-polar, with threonine, which is neutral and polar, at codon 2745 of the APC protein (p.Pro2745Thr). This variant is present in population databases (rs587779809, gnomAD 0.0009%). This variant has not been reported in the literature in individuals affected with APC-related conditions. ClinVar contains an entry for this variant (Variation ID: 127324). Invitae Evidence Modeling of protein sequence and biophysical properties (such as structural, functional, and spatial information, amino acid conservation, physicochemical variation, residue mobility, and thermodynamic stability) indicates that this missense variant is not expected to disrupt APC protein function with a negative predictive value of 95%. In summary, the available evidence is currently insufficient to determine the role of this variant in disease. Therefore, it has been classified as a Variant of Uncertain Significance.

Ambry Genetics
Classification: Uncertain significance for Hereditary cancer-predisposing syndrome. Last evaluated: 2024-10-14. Review status: criteria provided, single submitter. Criteria: Ambry Variant Classification Scheme 2023. Collection method: clinical testing. Allele origin: germline.
Comment: The p.P2745T variant (also known as c.8233C>A), located in coding exon 15 of the APC gene, results from a C to A substitution at nucleotide position 8233. The proline at codon 2745 is replaced by threonine, an amino acid with highly similar properties. This amino acid position is not well conserved in available vertebrate species. In addition, in silico predictors for this gene do not accurately predict pathogenicity. Missense alterations in APC are not a common cause of disease (Spier I et al. Genet Med. 2024 Feb;26(2):100992). Based on the available evidence, the clinical significance of this variant remains unclear.

Color Diagnostics, LLC DBA Color Health
Classification: Uncertain significance for Hereditary cancer-predisposing syndrome. Last evaluated: 2024-03-06. Review status: criteria provided, single submitter. Criteria: ACMG Guidelines, 2015. Collection method: clinical testing. Allele origin: germline.
Comment: This missense variant replaces proline with threonine at codon 2745 of the APC protein. Computational prediction suggests that this variant may not impact protein structure and function (internally defined REVEL score threshold <= 0.5, PMID: 27666373). To our knowledge, functional studies have not been reported for this variant. This variant has not been reported in individuals affected with APC-related disorders in the literature. This variant has been identified in 1/245878 chromosomes in the general population by the Genome Aggregation Database (gnomAD). The available evidence is insufficient to determine the role of this variant in disease conclusively. Therefore, this variant is classified as a Variant of Uncertain Significance.

Baylor Genetics
Classification: Uncertain significance for Familial adenomatous polyposis 1. Last evaluated: 2023-06-29. Review status: criteria provided, single submitter. Criteria: ACMG Guidelines, 2015. Collection method: clinical testing. Allele origin: unknown.

All of Us Research Program, National Institutes of Health
Classification: Uncertain significance for Classic or attenuated familial adenomatous polyposis. Last evaluated: 2023-06-15. Review status: criteria provided, single submitter. Criteria: ACMG Guidelines, 2015. Collection method: clinical testing. Allele origin: germline. Inheritance: Autosomal dominant inheritance. Observed: 3 variant alleles, 3 heterozygotes.
Comment: This missense variant replaces proline with threonine at codon 2745 of the APC protein. Computational prediction suggests that this variant may not impact protein structure and function (internally defined REVEL score threshold <= 0.5, PMID: 27666373). Splice site prediction tools suggest that this variant may not impact RNA splicing. To our knowledge, functional studies have not been performed for this variant. This variant has not been reported in individuals affected with hereditary cancer in the literature. This variant has been identified in 1/245878 chromosomes in the general population by the Genome Aggregation Database (gnomAD). The available evidence is insufficient to determine the role of this variant in disease conclusively. Therefore, this variant is classified as a Variant of Uncertain Significance.

This study involves interpretation of variants in research participants for the purpose of population health screening. Participant phenotype was not available at the time of variant classification. Additional details can be found in publication PMID: 35346344, PMCID: PMC8962531

Women's Health and Genetics/Laboratory Corporation of America, LabCorp
Classification: Uncertain significance. Last evaluated: 2017-01-10. Review status: criteria provided, single submitter. Criteria: LabCorp Variant Classification Summary - May 2015. Collection method: clinical testing. Allele origin: germline.
Comment: Variant summary: The APC c.8233C>A (p.Pro2745Thr) variant involves the alteration of a non-conserved nucleotide. 2/4 in silico tools predict a benign outcome for this variant (SNPs&GO not captured due to low reliability index). This variant was found in 1/121352 control chromosomes at a frequency of 0.0000082, which does not exceed the estimated maximal expected allele frequency of a pathogenic APC variant (0.0000714). In addition, one clinical diagnostic laboratory classified this variant as uncertain significance. The variant of interest has not, to our knowledge, been reported in affected individuals via publications; nor evaluated for functional impact by in vivo/vitro studies. Because of the absence of clinical information and the lack of functional studies, the variant is classified as a variant of uncertain significance (VUS) until additional information becomes available.

GeneDx
Classification: Uncertain significance. Last evaluated: 2016-11-01. Review status: criteria provided, single submitter. Criteria: GeneDx Variant Classification (06012015). Collection method: clinical testing. Allele origin: germline. Affected: yes.
Comment: This variant is denoted APC c.8233C>A at the cDNA level, p.Pro2745Thr (P2745T) at the protein level, and results in the change of a Proline to a Threonine (CCT>ACT). This variant has not, to our knowledge, been published in the literature as pathogenic or benign. APC Pro2745Thr was not observed in approximately 6,500 individuals of European and African American ancestry in the NHLBI Exome Sequencing Project, suggesting it is not a common benign variant in these populations. Since Proline and Threonine differ in polarity, charge, size or other properties, this is considered a non-conservative amino acid substitution. APC Pro2745Thr occurs at a position that is not conserved and is located in the within EB1 Binding domain (Azzopardi 2008). In silico analyses predict that this variant is unlikely to alter protein structure or function. Based on currently available evidence, it is unclear whether APC Pro2745Thr is a pathogenic or benign variant. We consider it to be a variant of uncertain significance.

NM_000038.6(APC):c.8233C>A (p.Pro2745Thr)

Gene: APC (APC regulator of Wnt signaling pathway; plus strand). Cytogenetic location: 5q22.2.
Variant type: single nucleotide variant.
Coding change: c.8233C>A on transcript NM_000038.6 (MANE Select); coding-DNA position 8233, C replaced by A.
Protein change: p.Pro2745Thr; replaces proline 2745 with threonine.
Molecular consequence: missense variant.
Genome position (GRCh38, 1-based): chr5:112,843,827, C>A. VCF-style: chr5-112843827-C-A. GRCh37 (hg19) VCF-style: chr5-112179524-C-A.
Other names: p.P2745T:CCT>ACT; c.8233C>A, p.Pro2745Thr (NM_001127510.3, NM_001354895.2); c.8179C>A, p.Pro2727Thr (NM_001127511.3); c.8287C>A, p.Pro2763Thr (NM_001354896.2); c.8263C>A, p.Pro2755Thr (NM_001354897.2); c.8158C>A, p.Pro2720Thr (NM_001354898.2); c.8149C>A, p.Pro2717Thr (NM_001354899.2); c.8110C>A, p.Pro2704Thr (NM_001354900.2); and 6 more; short protein forms P2745T, P2727T, P2755T, P2763T, P2619T, P2644T, P2686T, P2717T.
Identifiers: ClinVar variation 127324 (VCV000127324.21), dbSNP rs587779809, ClinGen allele CA014450.